The following is an entry in ClinVar:

ClinVar aggregate classification (germline): Benign. Review status: criteria provided, multiple submitters, no conflicts (2 of 4 stars). 3 submissions from 3 submitters: Benign (2). 1 of the submissions does not count toward it. Last evaluated 2025-12-31.

Conditions:
TMTC3-related disorder. Also called: TMTC3-related condition.

Allele frequency attached by ClinVar (database versions not stated): gnomAD exomes 0.00009 and 0.00022; ExAC 0.00029; 1000 Genomes Project 0.00040; 1000 Genomes Project 30x 0.00047; gnomAD 0.00092 and 0.00103; TOPMed 0.00110; ESP Exome Variant Server 0.00131.
gnomAD v4.1: 265 of 1,592,380 alleles (0.017%); highest among the groups gnomAD compares: African/African-American, 0.34%; 1 homozygote.

Submissions (3):

Labcorp Genetics (formerly Invitae), Labcorp
Classification: Benign. Last evaluated: 2025-12-31. Review status: criteria provided, single submitter. Criteria: Invitae Variant Classification Sherloc (09022015). Collection method: clinical testing. Allele origin: germline.

Breakthrough Genomics
Classification: Benign. Review status: criteria provided, single submitter. Criteria: ACMG Guidelines, 2015. Collection method: not provided. Allele origin: germline. Inheritance: Autosomal recessive inheritance. Affected: yes.

PreventionGenetics, part of Exact Sciences
Classification: Likely benign for TMTC3-related condition. Last evaluated: 2022-12-20. Review status: no assertion criteria provided. Collection method: clinical testing. Allele origin: germline. Not counted in ClinVar's aggregate classification.
Comment: This variant is classified as likely benign based on ACMG/AMP sequence variant interpretation guidelines (Richards et al. 2015 PMID: 25741868, with internal and published modifications).

NM_181783.4(TMTC3):c.541G>A (p.Val181Met)

Gene: TMTC3 (transmembrane O-mannosyltransferase targeting cadherins 3; plus strand). Cytogenetic location: 12q21.32.
Variant type: single nucleotide variant.
Coding change: c.541G>A on transcript NM_181783.4 (MANE Select); coding-DNA position 541, G replaced by A.
Protein change: p.Val181Met; replaces valine 181 with methionine.
Molecular consequence: missense variant. On other transcripts: 5 prime UTR variant (1), non-coding transcript variant (1).
Genome position (GRCh38, 1-based): chr12:88,160,146, G>A. VCF-style: chr12-88160146-G-A. GRCh37 (hg19) VCF-style: chr12-88553923-G-A.
Other names: c.361G>A, p.Val121Met (NM_001366574.1); c.322G>A, p.Val108Met (NM_001366579.1); c.274G>A, p.Val92Met (NM_001366580.1); c.-153G>A (NM_001366583.1); c.541G>A (NM_181783.3); short protein forms V108M, V121M, V181M, V92M.
Identifiers: ClinVar variation 1532158 (VCV001532158.11), dbSNP rs141504732, ClinGen allele CA6713077.